The following is an entry in ClinVar:

NM_004168.4(SDHA):c.1753C>T (p.Arg585Trp)

Gene: SDHA (succinate dehydrogenase complex flavoprotein subunit A; plus strand). Cytogenetic location: 5p15.33.
Variant type: single nucleotide variant.
Coding change: c.1753C>T on transcript NM_004168.4 (MANE Select); coding-DNA position 1753, C replaced by T.
Protein change: p.Arg585Trp; replaces arginine 585 with tryptophan.
Molecular consequence: missense variant. On other transcripts: intron variant (1).
Genome position (GRCh38, 1-based): chr5:251,427, C>T. VCF-style: chr5-251427-C-T. GRCh37 (hg19) VCF-style: chr5-251542-C-T.
Other names: c.1609C>T, p.Arg537Trp (NM_001294332.2); c.1552-2966C>T (NM_001330758.2); short protein forms R585W, R537W.
Identifiers: ClinVar variation 160358 (VCV000160358.77), dbSNP rs200397144, ClinGen allele CA188615.

ClinVar aggregate classification (germline): Pathogenic/Likely pathogenic. Review status: criteria provided, multiple submitters, no conflicts (2 of 4 stars). 16 submissions from 16 submitters: Pathogenic (4); Likely pathogenic (7). 5 of the submissions do not count toward it. Last evaluated 2026-09-04.

Conditions:
Neurodegeneration with ataxia and late-onset optic atrophy. Identifiers: MedGen C5543254, MONDO:0031006, OMIM 619259.
SDHA-related disorder. Also called: SDHA-related disorders; SDHA-related condition.
Pheochromocytoma/paraganglioma syndrome 5. Also called: Paragangliomas 5; SDHA-Related Hereditary Paraganglioma-Pheochromocytoma Syndrome. Identifiers: Orphanet 29072, MedGen C3279992, MONDO:0013602, OMIM 614165.
Mitochondrial complex II deficiency, nuclear type 1. Also called: SUCCINATE CoQ REDUCTASE DEFICIENCY. Identifiers: Orphanet 3208, MedGen C5700310, MONDO:0100294, OMIM 252011.
Dilated cardiomyopathy 1GG (CMD1GG). Identifiers: Orphanet 154, MedGen C3150898, MONDO:0013339, OMIM 613642.
Hereditary cancer-predisposing syndrome. Also called: Tumor predisposition; Neoplastic Syndromes, Hereditary; Hereditary neoplastic syndrome; Hereditary Cancer Syndrome. Identifiers: Orphanet 140162, MedGen C0027672, MeSH D009386, MONDO:0015356.
Leigh syndrome (NULS). Also called: Leigh Syndrome (mtDNA deletion); Leigh's syndrome; Leigh Disease; Subacute necrotizing encephalopathy; Necrotizing encephalopathy infantile subacute of Leigh; LEIGH SYNDROME, NUCLEAR. Identifiers: Orphanet 506, MedGen C2931891, MONDO:0009723, OMIM 256000.

Allele frequency attached by ClinVar (database versions not stated): TOPMed 0.00003; gnomAD 0.00001; ExAC 0.00002; gnomAD exomes 0.00002.
gnomAD v4.1: 24 of 1,613,808 alleles (0.0015%); highest among the groups gnomAD compares: East Asian, 0.0045%; no homozygotes.

Submissions 1 to 8 of 16:

PreventionGenetics, part of Exact Sciences
Classification: Pathogenic for SDHA-related condition. Last evaluated: 2026-09-04. Review status: criteria provided, single submitter. Criteria: ACMG Guidelines, 2015. Collection method: clinical testing. Allele origin: germline.
Comment: The SDHA c.1753C>T variant is predicted to result in the amino acid substitution p.Arg585Trp. This variant has been observed in individuals with paragangliomas and pheochromocytomas (Korpershoek et al. 2011. PubMed ID: 21752896; Rattenberry et al. 2013. PubMed ID: 23666964; Tufton et al. 2017. PubMed ID: 28500238; Richter et al. 2018. PubMed ID: 30050099). A different variant at this codon has also been reported in individuals with paraganglioma or pheochromocytoma (Ben Aim et al. 2019. PubMed ID: 30877234) and is classified as pathogenic, suggesting this a clinically important domain. This variant is reported in 0.0050% of alleles in individuals of East Asian descent in gnomAD, and is classified in ClinVar as pathogenic (Variation ID: 160358). This variant is interpreted as pathogenic.

Labcorp Genetics (formerly Invitae), Labcorp
Classification: Pathogenic for Pheochromocytoma/paraganglioma syndrome 5; Mitochondrial complex II deficiency, nuclear type 1. Last evaluated: 2025-12-29. Review status: criteria provided, single submitter. Criteria: Invitae Variant Classification Sherloc (09022015). Collection method: clinical testing. Allele origin: germline.
Comment: This sequence change replaces arginine, which is basic and polar, with tryptophan, which is neutral and slightly polar, at codon 585 of the SDHA protein (p.Arg585Trp). This variant is present in population databases (rs200397144, gnomAD 0.005%). This missense change has been observed in individuals with paragangliomas and pheochromocytomas (PMID: 21752896, 23666964, 25720320, 28500238, 29177515, 30050099; internal data). ClinVar contains an entry for this variant (Variation ID: 160358). Invitae Evidence Modeling of protein sequence and biophysical properties (such as structural, functional, and spatial information, amino acid conservation, physicochemical variation, residue mobility, and thermodynamic stability) indicates that this missense variant is expected to disrupt SDHA protein function with a positive predictive value of 95%. This variant disrupts the p.Arg585 amino acid residue in SDHA. Other variant(s) that disrupt this residue have been observed in individuals with SDHA-related conditions (PMID: 30877234), which suggests that this may be a clinically significant amino acid residue. For these reasons, this variant has been classified as Pathogenic.

Quest Diagnostics Nichols Institute San Juan Capistrano
Classification: Likely pathogenic. Last evaluated: 2025-08-29. Review status: criteria provided, single submitter. Criteria: Quest Diagnostics criteria. Collection method: clinical testing. Allele origin: unknown.
Comment: The SDHA c.1753C>T (p.Arg585Trp) variant has been reported in the published literature in individuals with pheochromocytoma/paraganglioma (PMID: 21752896 (2011), 23666964 (2013), 25720320 (2015), 28546994 (2017), 29177515 (2018), 30050099 (2019), 35171114 (2022)) and gastrointestinal stromal tumors (GIST) (PMID: 36593350 (2023)). In addition, a different variant located at the same amino acid codon has been determined to be pathogenic (ClinVar, URL:, Variation ID: 239658). The frequency of this variant in the general population (Genome Aggregation Database) is uninformative in the assessment of its pathogenicity. Analysis of this variant using bioinformatics tools for the prediction of the effect of amino acid changes on protein structure and function yielded predictions that this variant is damaging. Based on the available information, this variant is classified as likely pathogenic.

GeneDx
Classification: Likely pathogenic. Last evaluated: 2025-07-16. Review status: criteria provided, single submitter. Criteria: GeneDx Variant Classification Process June 2021. Collection method: clinical testing. Allele origin: germline. Affected: yes.
Comment: In silico analysis supports that this missense variant has a deleterious effect on protein structure/function; Not observed at significant frequency in large population cohorts (gnomAD); This variant is associated with the following publications: (PMID: 22517557, 28196207, 22904323, 27011036, 29177515, 23666964, 28546994, 28500238, 25720320, 25394176, 32621582, 29978154, 30050099, 30877234, 20301715, 26198225, 36980917, 21752896, 35731023, 35171114, 35988656, 36593350, 38473309, 39321216)

Women's Health and Genetics/Laboratory Corporation of America, LabCorp
Classification: Pathogenic for Neurodegeneration with ataxia and late-onset optic atrophy. Last evaluated: 2024-09-23. Review status: criteria provided, single submitter. Criteria: LabCorp Variant Classification Summary - May 2015. Collection method: clinical testing. Allele origin: germline.
Comment: Variant summary: SDHA c.1753C>T (p.Arg585Trp) results in a non-conservative amino acid change located in the fumarate reductase/succinate dehydrogenase flavoprotein-like, C-terminal domain (IPR015939) of the encoded protein sequence. Five of five in-silico tools predict a damaging effect of the variant on protein function. The variant allele was found at a frequency of 2.4e-05 in 250906 control chromosomes. c.1753C>T has been reported in the literature in the heterozygous state in multiple individuals affected with pheochromocytoma, paraganglioma, and gastrointestinal stromal tumor (Richter_2022, Korpershoek_2011, Rattenberr_2013, Jahn_2022, Mandelker_2023, Casey_2017, Papathomas_2015). These data indicate that the variant is very likely to be associated with disease. To our knowledge, no experimental evidence demonstrating an impact on protein function has been reported. The following publications have been ascertained in the context of this evaluation (PMID: 28546994, 35988656, 21752896, 36593350, 25720320, 23666964, 35171114). ClinVar contains an entry for this variant (Variation ID: 160358). Based on the evidence outlined above, the variant was classified as pathogenic.

Ambry Genetics
Classification: Pathogenic for Hereditary cancer-predisposing syndrome. Last evaluated: 2024-06-25. Review status: criteria provided, single submitter. Criteria: Ambry Variant Classification Scheme 2023. Collection method: clinical testing. Allele origin: germline.
Comment: The p.R585W pathogenic mutation (also known as c.1753C>T), located in coding exon 13 of the SDHA gene, results from a C to T substitution at nucleotide position 1753. The arginine at codon 585 is replaced by tryptophan, an amino acid with dissimilar properties. This mutation has been identified in multiple individuals with paraganglioma, pheochromocytoma or gastrointestinal stromal tumor (Korpershoek E et al. J. Clin. Endocrinol. Metab. 2011 Sep;96:E1472-6; Rattenberry E et al. J. Clin. Endocrinol. Metab. 2013 Jul;98:E1248-56; Papathomas TG et al. Mod. Pathol. 2015 Jun;28:807-21; Boikos SA et al. JAMA Oncol, 2016 Jul;2:922-8; Casey RT et al. Mol. Genet. Genomic Med. 2017 May;5:237-250; Tufton N et al. Endocr. Relat. Cancer 2017 Jul;24:L43-L49; van der Tuin K et al. J. Clin. Endocrinol. Metab. 2018 Feb;103:438-445; Richter S et al. Genet Med, 2019 03;21:705-717). Another variant at the same codon, p.R585Q (c.1754G>A), has been detected in multiple individuals with paraganglioma or pheochromocytoma (Curr&aacute;s-Freixes M et al. J Med Genet, 2015 Oct;52:647-56; Ben Aim L et al. J Med Genet, 2019 08;56:513-520; Ambry internal data). Based on internal structural analysis, p.R585W is anticipated to result in a decrease in structural stability (Inaoka DK et al. Int J Mol Sci, 2015 Jul;16:15287-308). This amino acid position is highly conserved in available vertebrate species. In addition, this alteration is predicted to be deleterious by in silico analysis. Based on the supporting evidence, this alteration is interpreted as a disease-causing mutation.

Department of Pathology and Laboratory Medicine, Sinai Health System
Classification: Likely pathogenic for Mitochondrial complex II deficiency, nuclear type 1; Dilated cardiomyopathy 1GG; Pheochromocytoma/paraganglioma syndrome 5; Neurodegeneration with ataxia and late-onset optic atrophy. Last evaluated: 2024-04-08. Review status: criteria provided, single submitter. Criteria: ACMG Guidelines, 2015. Collection method: clinical testing. Allele origin: germline.

Baylor Genetics
Classification: Likely pathogenic for Dilated cardiomyopathy 1GG. Last evaluated: 2024-02-19. Review status: criteria provided, single submitter. Criteria: ACMG Guidelines, 2015. Collection method: clinical testing. Allele origin: unknown.